The following is an entry in ClinVar:

NM_006361.6(HOXB13):c.465T>G (p.Pro155=)

Gene: HOXB13 (homeobox B13; minus strand). Cytogenetic location: 17q21.32.
Variant type: single nucleotide variant.
Coding change: c.465T>G on transcript NM_006361.6 (MANE Select); coding-DNA position 465, T replaced by G.
Protein change: p.Pro155=; no amino-acid change (proline 155 retained).
Molecular consequence: synonymous variant.
Genome position (GRCh38, 1-based): chr17:48,728,129, A>C on the plus strand (T>G on the coding strand, the complement: HOXB13 is on the minus strand). VCF-style: chr17-48728129-A-C. GRCh37 (hg19) VCF-style: chr17-46805491-A-C.
Other names: c.465T>G (NM_006361.5).
Identifiers: ClinVar variation 1103516 (VCV001103516.11), dbSNP rs1354392203, ClinGen allele CA500660878.
Genomic context (GRCh38, chr17:48,728,129, plus strand): 5'-AGCGAGAGCCCAAGACTGGTAACTGTCCACAGGCAACAGGGAGTCATGTCGCGGTTCTCC[A>C]GGAGCACCCAGAGTCTGCACCACAGACACGTCCAGGTAACTGGCCATAGGCTGGTAGGTT-3'
Protein context (NP_006352.2, residues 145-165): DVSVVQTLGA[Pro155=]GEPRHDSLLP

ClinVar aggregate classification (germline): Benign/Likely benign. Review status: criteria provided, multiple submitters, no conflicts (2 of 4 stars). 3 submissions from 3 submitters: Benign (1); Likely benign (2). Last evaluated 2024-10-30.

Conditions:
Hereditary cancer-predisposing syndrome. Also called: Tumor predisposition; Neoplastic Syndromes, Hereditary; Hereditary Cancer Syndrome; Hereditary neoplastic syndrome. Identifiers: Orphanet 140162, MedGen C0027672, MeSH D009386, MONDO:0015356.
Prostate cancer, hereditary, 9 (HPC9). Identifiers: Orphanet 1331, MedGen C1970250, MONDO:0012597, OMIM 610997.

Submissions (3):

Myriad Genetics, Inc.
Classification: Benign for Prostate cancer, hereditary, 9. Last evaluated: 2024-10-30. Review status: criteria provided, single submitter. Criteria: Myriad Autosomal Dominant, Autosomal Recessive and X-Linked Classification Criteria (2023). Collection method: clinical testing. Allele origin: unknown.
Comment: This variant is considered benign. This variant is a silent/synonymous amino acid change and it is not expected to impact splicing.

Ambry Genetics
Classification: Likely benign for Hereditary cancer-predisposing syndrome. Last evaluated: 2024-08-19. Review status: criteria provided, single submitter. Criteria: Ambry Variant Classification Scheme 2023. Collection method: clinical testing. Allele origin: germline.

Labcorp Genetics (formerly Invitae), Labcorp
Classification: Likely benign. Last evaluated: 2024-07-02. Review status: criteria provided, single submitter. Criteria: Invitae Variant Classification Sherloc (09022015). Collection method: clinical testing. Allele origin: germline.